The following is an entry in ClinVar:

NM_177438.3(DICER1):c.1631G>T (p.Arg544Leu)

Gene: DICER1 (dicer 1, ribonuclease III; minus strand). Cytogenetic location: 14q32.13.
Variant type: single nucleotide variant.
Coding change: c.1631G>T on transcript NM_177438.3 (MANE Select); coding-DNA position 1631, G replaced by T.
Protein change: p.Arg544Leu; replaces arginine 544 with leucine.
Molecular consequence: missense variant. On other transcripts: 5 prime UTR variant (1), non-coding transcript variant (6).
Genome position (GRCh38, 1-based): chr14:95,116,574, C>A on the plus strand (G>T on the coding strand, the complement: DICER1 is on the minus strand). VCF-style: chr14-95116574-C-A. GRCh37 (hg19) VCF-style: chr14-95582911-C-A.
Other names: c.1631G>T, p.Arg544Leu (NM_001195573.1, NM_001271282.3, NM_001291628.2 and 13 more transcripts); c.1349G>T, p.Arg450Leu (NM_001395686.1); c.1226G>T, p.Arg409Leu (NM_001395687.1, NM_001395688.1, NM_001395689.1 and 3 more transcripts); c.1064G>T, p.Arg355Leu (NM_001395691.1); c.-53G>T (NM_001395697.1); short protein forms R355L, R409L, R450L, R544L.
Identifiers: ClinVar variation 2814026 (VCV002814026.3), dbSNP rs143533680, ClinGen allele CA390884916.

ClinVar aggregate classification (germline): Uncertain significance (1 of 4 stars; one submission).

Conditions:
DICER1-related tumor predisposition. Also called: DICER1 syndrome; DICER1-related pleuropulmonary blastoma cancer predisposition syndrome. Identifiers: Orphanet 284343, MedGen C3839822, MONDO:0100216.

Submission:

Labcorp Genetics (formerly Invitae), Labcorp
Classification: Uncertain significance for DICER1-related tumor predisposition. Last evaluated: 2022-11-13. Review status: criteria provided, single submitter. Criteria: Invitae Variant Classification Sherloc (09022015). Collection method: clinical testing. Allele origin: germline.
Comment: This sequence change replaces arginine, which is basic and polar, with leucine, which is neutral and non-polar, at codon 544 of the DICER1 protein (p.Arg544Leu). This variant is not present in population databases (gnomAD no frequency). This variant has not been reported in the literature in individuals affected with DICER1-related conditions. Algorithms developed to predict the effect of missense changes on protein structure and function (SIFT, PolyPhen-2, Align-GVGD) all suggest that this variant is likely to be disruptive. In summary, the available evidence is currently insufficient to determine the role of this variant in disease. Therefore, it has been classified as a Variant of Uncertain Significance.